The following is an entry in ClinVar:

ClinVar aggregate classification (germline): Uncertain significance. Review status: criteria provided, multiple submitters, no conflicts (2 of 4 stars). 2 submissions from 2 submitters: Uncertain significance (2). Last evaluated 2024-06-07.

Conditions:
Anterior segment dysgenesis. Also called: Ocular anterior segment dysgenesis. Identifiers: Orphanet 88632, MedGen C1862839, MONDO:0019503, HP:0007700.
Congenital primary aphakia. Also called: Anterior segment dysgenesis 2, multiple subtypes; ANTERIOR SEGMENT DYSGENESIS 2. Identifiers: Orphanet 83461, MedGen C1853230, MONDO:0012456, OMIM 610256.
Cardiovascular phenotype. Identifiers: MedGen CN230736.

Allele frequency attached by ClinVar (database versions not stated): gnomAD 0.00001; TOPMed 0.00001.

Submissions (2):

Ambry Genetics
Classification: Uncertain significance for Cardiovascular phenotype. Last evaluated: 2024-06-07. Review status: criteria provided, single submitter. Criteria: Ambry Variant Classification Scheme 2023. Collection method: clinical testing. Allele origin: germline.
Comment: The p.A214V variant (also known as c.641C>T), located in coding exon 1 of the FOXE3 gene, results from a C to T substitution at nucleotide position 641. The alanine at codon 214 is replaced by valine, an amino acid with similar properties. This amino acid position is conserved. In addition, this alteration is predicted to be tolerated by in silico analysis. Based on the available evidence, the clinical significance of this variant remains unclear.

Labcorp Genetics (formerly Invitae), Labcorp
Classification: Uncertain significance for Anterior segment dysgenesis; Congenital primary aphakia. Last evaluated: 2023-03-08. Review status: criteria provided, single submitter. Criteria: Invitae Variant Classification Sherloc (09022015). Collection method: clinical testing. Allele origin: germline.
Comment: This sequence change replaces alanine, which is neutral and non-polar, with valine, which is neutral and non-polar, at codon 214 of the FOXE3 protein (p.Ala214Val). This variant is present in population databases (no rsID available, gnomAD no frequency). This variant has not been reported in the literature in individuals affected with FOXE3-related conditions. Advanced modeling of protein sequence and biophysical properties (such as structural, functional, and spatial information, amino acid conservation, physicochemical variation, residue mobility, and thermodynamic stability) performed at Invitae indicates that this missense variant is not expected to disrupt FOXE3 protein function. In summary, the available evidence is currently insufficient to determine the role of this variant in disease. Therefore, it has been classified as a Variant of Uncertain Significance.

NM_012186.3(FOXE3):c.641C>T (p.Ala214Val)

Genes: FOXE3 (forkhead box E3; plus strand), LINC01389 (long independently transcribed non-coding RNA 1389; minus strand). Cytogenetic location: 1p33.
Variant type: single nucleotide variant.
Coding change: c.641C>T on transcript NM_012186.3 (MANE Select); coding-DNA position 641, C replaced by T.
Protein change: p.Ala214Val; replaces alanine 214 with valine.
Molecular consequence: missense variant.
Genome position (GRCh38, 1-based): chr1:47,416,956, C>T. VCF-style: chr1-47416956-C-T. GRCh37 (hg19) VCF-style: chr1-47882628-C-T.
Other names: c.641C>T (NM_012186.2); short protein forms A214V.
Identifiers: ClinVar variation 2926917 (VCV002926917.4), dbSNP rs1350529478, ClinGen allele CA340250397.